The following is an entry in ClinVar:

ClinVar aggregate classification (germline): Uncertain significance. Review status: criteria provided, multiple submitters, no conflicts (2 of 4 stars). 2 submissions from 2 submitters: Uncertain significance (2). Last evaluated 2025-07-01.

Conditions:
Autosomal recessive limb-girdle muscular dystrophy type 2P. Also called: MUSCULAR DYSTROPHY, LIMB-GIRDLE, TYPE 2P; Limb-Girdle Muscular Dystrophy Type 9C; MUSCULAR DYSTROPHY-DYSTROGLYCANOPATHY, LIMB-GIRDLE, DAG1-RELATED. Identifiers: Orphanet 280333, MedGen C4511963, MONDO:0013440, OMIM 613818.
Muscular dystrophy-dystroglycanopathy (congenital with brain and eye anomalies), type A9. Also called: Muscular dystrophy-dystroglycanopathy (congenital with brain and eye anomalies), type a, 9; WALKER-WARBURG SYNDROME OR MUSCLE-EYE BRAIN DISEASE, DAG1-RELATED. Identifiers: Orphanet 370997, Orphanet 899, MedGen C4225291, MONDO:0014683, OMIM 616538.
Inborn genetic diseases. Identifiers: MedGen C0950123, MeSH D030342.

Allele frequency attached by ClinVar (database versions not stated): ExAC 0.00002; 1000 Genomes Project 30x 0.00016; 1000 Genomes Project 0.00020; TOPMed below 0.00001; gnomAD 0.00001; gnomAD exomes 0.00001.
gnomAD v4.1: 9 of 1,614,176 alleles (0.00056%); highest among the groups gnomAD compares: South Asian, 0.0033%; no homozygotes.

Submissions (2):

Ambry Genetics
Classification: Uncertain significance for Inborn genetic diseases. Last evaluated: 2025-07-01. Review status: criteria provided, single submitter. Criteria: Ambry Variant Classification Scheme 2023. Collection method: clinical testing. Allele origin: germline.

Labcorp Genetics (formerly Invitae), Labcorp
Classification: Uncertain significance for Autosomal recessive limb-girdle muscular dystrophy type 2P; Muscular dystrophy-dystroglycanopathy (congenital with brain and eye anomalies), type A9. Last evaluated: 2020-11-03. Review status: criteria provided, single submitter. Criteria: Invitae Variant Classification Sherloc (09022015). Collection method: clinical testing. Allele origin: germline.
Comment: Algorithms developed to predict the effect of missense changes on protein structure and function (SIFT, PolyPhen-2, Align-GVGD) all suggest that this variant is likely to be tolerated, but these predictions have not been confirmed by published functional studies and their clinical significance is uncertain. This variant has not been reported in the literature in individuals with DAG1-related conditions. This variant is present in population databases (rs556413209, ExAC 0.01%). This sequence change replaces serine with leucine at codon 166 of the DAG1 protein (p.Ser166Leu). The serine residue is moderately conserved and there is a large physicochemical difference between serine and leucine. In summary, the available evidence is currently insufficient to determine the role of this variant in disease. Therefore, it has been classified as a Variant of Uncertain Significance.

NM_004393.6(DAG1):c.497C>T (p.Ser166Leu)

Gene: DAG1 (dystroglycan 1; plus strand). Cytogenetic location: 3p21.31.
Variant type: single nucleotide variant.
Coding change: c.497C>T on transcript NM_004393.6 (MANE Select); coding-DNA position 497, C replaced by T.
Protein change: p.Ser166Leu; replaces serine 166 with leucine.
Molecular consequence: missense variant.
Genome position (GRCh38, 1-based): chr3:49,531,008, C>T. VCF-style: chr3-49531008-C-T. GRCh37 (hg19) VCF-style: chr3-49568441-C-T.
Other names: c.497C>T, p.Ser166Leu (NM_001177644.3, NM_001165928.4, NM_001177634.3 and 9 more transcripts); c.497C>T (NM_004393.4); short protein forms S166L.
Identifiers: ClinVar variation 1021739 (VCV001021739.6), dbSNP rs556413209, ClinGen allele CA2398916.